The following is an entry in ClinVar:

ClinVar aggregate classification (germline): Uncertain significance. Review status: criteria provided, multiple submitters, no conflicts (2 of 4 stars). 2 submissions from 2 submitters: Uncertain significance (2). Last evaluated 2024-09-17.

Conditions:
Hypomyelination and Congenital Cataract (HLD5). Also called: hypomyelinating leukodystrophy 5. Identifiers: Orphanet 85163, MedGen C1864663, MONDO:0012514, OMIM 610532.

Submissions (2):

Revvity Omics, Revvity
Classification: Uncertain significance for Hypomyelination and Congenital Cataract. Last evaluated: 2024-09-17. Review status: criteria provided, single submitter. Criteria: ACMG Guidelines, 2015. Collection method: clinical testing. Allele origin: germline.

Labcorp Genetics (formerly Invitae), Labcorp
Classification: Uncertain significance for Hypomyelination and Congenital Cataract. Last evaluated: 2022-11-08. Review status: criteria provided, single submitter. Criteria: Invitae Variant Classification Sherloc (09022015). Collection method: clinical testing. Allele origin: germline.
Comment: This sequence change falls in intron 9 of the FAM126A gene. It does not directly change the encoded amino acid sequence of the FAM126A protein. It affects a nucleotide within the consensus splice site. This variant is not present in population databases (gnomAD no frequency). This variant has been observed in individual(s) with clinical features of hypomyelination and congenital cataract (Invitae). Variants that disrupt the consensus splice site are a relatively common cause of aberrant splicing (PMID: 17576681, 9536098). Algorithms developed to predict the effect of sequence changes on RNA splicing suggest that this variant may disrupt the consensus splice site. In summary, the available evidence is currently insufficient to determine the role of this variant in disease. Therefore, it has been classified as a Variant of Uncertain Significance.

Literature cited by the submitters: PubMed 17576681 (cited by Labcorp Genetics (formerly Invitae), Labcorp); PubMed 9536098 (cited by Labcorp Genetics (formerly Invitae), Labcorp).

NM_032581.4(HYCC1):c.831+5G>A

Gene: HYCC1 (hyccin PI4KA lipid kinase complex subunit 1; minus strand). Cytogenetic location: 7p15.3.
Variant type: single nucleotide variant.
Coding change: c.831+5G>A on transcript NM_032581.4 (MANE Select); 5 bases into the intron after coding-DNA position 831, G replaced by A.
Molecular consequence: intron variant.
Genome position (GRCh38, 1-based): chr7:22,961,230, C>T on the plus strand (G>A on the coding strand, the complement: HYCC1 is on the minus strand). VCF-style: chr7-22961230-C-T. GRCh37 (hg19) VCF-style: chr7-23000849-C-T.
Other names: c.831+5G>A (NM_001363467.2, NM_001363466.2).
Identifiers: ClinVar variation 2011178 (VCV002011178.5), dbSNP rs2534378537, ClinGen allele CA2580076943.